The following is an entry in ClinVar:

NM_001136472.2(LITAF):c.377+1686_377+1687insACTC

Gene: LITAF (lipopolysaccharide induced TNF factor; minus strand). Cytogenetic location: 16p13.13.
Variant type: Insertion.
Coding change: c.377+1686_377+1687insACTC on transcript NM_001136472.2 (MANE Select); bases 1686 to 1687 of the intron after coding-DNA position 377, ACTC inserted.
Molecular consequence: intron variant.
Genome position: GRCh38 VCF-style: chr16-11551846-A-AAGTG. GRCh37 (hg19) VCF-style: chr16-11645702-A-AAGTG.
Other names: c.377+1686_377+1687insCACT (NM_004862.3); c.378-43_378-42insACTC (NM_001136473.1); c.377+1686_377+1687insACTC (NM_004862.4).
Identifiers: ClinVar variation 677271 (VCV000677271.1), dbSNP rs1555466254, ClinGen allele CA7904068.
Genomic context (GRCh38, chr16:11,551,846, plus strand): 5'-CGTACCACTGCACTCCTGCCTGGACAACAGAGCAAGACTCAGCCTCAAACAAAACAAAAC[A>AAGTG]AGTTTCTATTCCATCTTTCCCTGATTCCAAAGATAAAAAATTTGTTTTAATACAAATATC-3'

ClinVar aggregate classification (germline): Benign (1 of 4 stars; one submission).

Submission:

GeneDx
Classification: Benign. Last evaluated: 2018-06-16. Review status: criteria provided, single submitter. Criteria: GeneDx Variant Classification (06012015). Collection method: clinical testing. Allele origin: germline. Affected: yes.
Comment: This variant is considered likely benign or benign based on one or more of the following criteria: it is a conservative change, it occurs at a poorly conserved position in the protein, it is predicted to be benign by multiple in silico algorithms, and/or has population frequency not consistent with disease.